The following is an entry in ClinVar:

NM_172201.2(KCNE2):c.243T>A (p.Asn81Lys)

Genes: KCNE2 (potassium voltage-gated channel subfamily E regulatory subunit 2; plus strand), LOC105372791 (uncharacterized LOC105372791; minus strand). Cytogenetic location: 21q22.11.
Variant type: single nucleotide variant.
Coding change: c.243T>A on transcript NM_172201.2 (MANE Select); coding-DNA position 243, T replaced by A.
Protein change: p.Asn81Lys; replaces asparagine 81 with lysine.
Molecular consequence: missense variant.
Genome position (GRCh38, 1-based): chr21:34,370,721, T>A. VCF-style: chr21-34370721-T-A. GRCh37 (hg19) VCF-style: chr21-35743020-T-A.
Other names: short protein forms N81K.
Identifiers: ClinVar variation 2011407 (VCV002011407.6), dbSNP rs2516741131, ClinGen allele CA410196792.

ClinVar aggregate classification (germline): Uncertain significance. Review status: criteria provided, multiple submitters, no conflicts (2 of 4 stars). 2 submissions from 2 submitters: Uncertain significance (2). Last evaluated 2023-06-12.

Conditions:
Cardiovascular phenotype. Identifiers: MedGen CN230736.
Long QT syndrome 6 (LQT6). Identifiers: Orphanet 101016, Orphanet 768, MedGen C3150953, MONDO:0013370, OMIM 613693.

Submissions (2):

Ambry Genetics
Classification: Uncertain significance for Cardiovascular phenotype. Last evaluated: 2023-06-12. Review status: criteria provided, single submitter. Criteria: Ambry Variant Classification Scheme 2023. Collection method: clinical testing. Allele origin: germline.
Comment: The p.N81K variant (also known as c.243T>A), located in coding exon 1 of the KCNE2 gene, results from a T to A substitution at nucleotide position 243. The asparagine at codon 81 is replaced by lysine, an amino acid with similar properties. This amino acid position is conserved. In addition, this alteration is predicted to be tolerated by in silico analysis. Since supporting evidence is limited at this time, the clinical significance of this alteration remains unclear.

Labcorp Genetics (formerly Invitae), Labcorp
Classification: Uncertain significance for Long QT syndrome 6. Last evaluated: 2022-06-27. Review status: criteria provided, single submitter. Criteria: Invitae Variant Classification Sherloc (09022015). Collection method: clinical testing. Allele origin: germline.
Comment: This sequence change replaces asparagine, which is neutral and polar, with lysine, which is basic and polar, at codon 81 of the KCNE2 protein (p.Asn81Lys). This variant is not present in population databases (gnomAD no frequency). This variant has not been reported in the literature in individuals affected with KCNE2-related conditions. Algorithms developed to predict the effect of missense changes on protein structure and function (SIFT, PolyPhen-2, Align-GVGD) all suggest that this variant is likely to be tolerated. In summary, the available evidence is currently insufficient to determine the role of this variant in disease. Therefore, it has been classified as a Variant of Uncertain Significance.